The following is an entry in ClinVar:

NM_080669.6(SLC46A1):c.1012G>A (p.Gly338Ser)

Gene: SLC46A1 (solute carrier family 46 member 1; minus strand). Cytogenetic location: 17q11.2.
Variant type: single nucleotide variant.
Coding change: c.1012G>A on transcript NM_080669.6 (MANE Select); coding-DNA position 1012, G replaced by A.
Protein change: p.Gly338Ser; replaces glycine 338 with serine.
Molecular consequence: missense variant.
Genome position (GRCh38, 1-based): chr17:28,404,685, C>T on the plus strand (G>A on the coding strand, the complement: SLC46A1 is on the minus strand). VCF-style: chr17-28404685-C-T. GRCh37 (hg19) VCF-style: chr17-26731703-C-T.
Other names: c.1012G>A, p.Gly338Ser (NM_001242366.3); c.1012G>A (NM_080669.5); short protein forms G338S.
Identifiers: ClinVar variation 1577004 (VCV001577004.10), dbSNP rs281875209, ClinGen allele CA8458241.

ClinVar aggregate classification (germline): Likely benign. Review status: criteria provided, single submitter (1 of 4 stars). 2 submissions from 2 submitters: Likely benign (1). 1 of the submissions does not count toward it. Last evaluated 2026-02-02.

Conditions:
SLC46A1-related disorder. Also called: SLC46A1-related condition.

Allele frequency attached by ClinVar (database versions not stated): gnomAD 0.00001 and 0.00011; 1000 Genomes Project 30x 0.00031; ExAC 0.00038; gnomAD exomes 0.00045.
gnomAD v4.1: 366 of 1,613,588 alleles (0.023%); highest among the groups gnomAD compares: South Asian, 0.38%; 5 homozygotes.

Submissions (2):

Labcorp Genetics (formerly Invitae), Labcorp
Classification: Likely benign. Last evaluated: 2026-02-02. Review status: criteria provided, single submitter. Criteria: Invitae Variant Classification Sherloc (09022015). Collection method: clinical testing. Allele origin: germline.

PreventionGenetics, part of Exact Sciences
Classification: Likely benign for SLC46A1-related condition. Last evaluated: 2022-05-06. Review status: no assertion criteria provided. Collection method: clinical testing. Allele origin: germline. Not counted in ClinVar's aggregate classification.
Comment: This variant is classified as likely benign based on ACMG/AMP sequence variant interpretation guidelines (Richards et al. 2015 PMID: 25741868, with internal and published modifications).